The following is an entry in ClinVar:

ClinVar aggregate classification (germline): Pathogenic (1 of 4 stars; one submission).

Conditions:
Treacher Collins syndrome 1 (TCS1). Also called: TCOF1-Related Treacher Collins Syndrome. Identifiers: Orphanet 861, MedGen CN315775, MONDO:0007944, OMIM 154500.

Submission:

Labcorp Genetics (formerly Invitae), Labcorp
Classification: Pathogenic for Treacher Collins syndrome 1. Last evaluated: 2025-06-23. Review status: criteria provided, single submitter. Criteria: Invitae Variant Classification Sherloc (09022015). Collection method: clinical testing. Allele origin: germline.
Comment: This sequence change creates a premature translational stop signal (p.Ser107Ilefs*68) in the TCOF1 gene. It is expected to result in an absent or disrupted protein product. Loss-of-function variants in TCOF1 are known to be pathogenic (PMID: 8894686, 22317976). This variant is not present in population databases (gnomAD no frequency). This variant has not been reported in the literature in individuals affected with TCOF1-related conditions. For these reasons, this variant has been classified as Pathogenic.

Literature cited by the submitters: PubMed 8894686; PubMed 22317976.

NM_001371623.1(TCOF1):c.317dup (p.Ser107fs)

Gene: TCOF1 (treacle ribosome biogenesis factor 1; plus strand). Cytogenetic location: 5q32.
Variant type: Duplication.
Coding change: c.317dup on transcript NM_001371623.1 (MANE Select); coding-DNA position 317, one base duplicated (C; older notation c.317dupC).
Protein change: p.Ser107fs; shifts the reading frame from serine 107.
Molecular consequence: frameshift variant.
Genome position (GRCh38, 1-based): chr5:150,367,856, C duplicated. VCF-style (leftmost placement, unchanged base first): chr5-150367855-G-GC. GRCh37 (hg19) VCF-style: chr5-149747418-G-GC.
Other names: c.317dup, p.Ser107fs (NM_000356.4, NM_001008657.3, NM_001135243.2 and 4 more transcripts); short protein forms S107fs.
Identifiers: ClinVar variation 4721975 (VCV004721975.1).
Genomic context (GRCh38, chr5:150,367,855, plus strand): 5'-GATGAGAAAAGCTCATCTGGCTCCTTTAGCAGATGTTTGTTTCTTGCAGCCCCAAGACTA[G>GC]CATCTACCAACTCCTCAGTCCTGGGGGCGGACTTGCCATCAAGCATGAAAGAAAAAGCCA-3'